The following is an entry in ClinVar:

ClinVar aggregate classification (germline): Pathogenic. Review status: criteria provided, single submitter (1 of 4 stars). 2 submissions from 2 submitters: Pathogenic (1). 1 of the submissions does not count toward it. Last evaluated 2025-03-03.

Conditions:
Epidermodysplasia verruciformis, susceptibility to, 2. Also called: Epidermodysplasia verruciformis 2. Identifiers: MedGen C4722258, MONDO:0032614, OMIM 618231.
Epidermodysplasia verruciformis. Identifiers: Orphanet 302, MedGen C0014522, MONDO:0009176.

gnomAD v4.1: 3 of 1,614,064 alleles (0.00019%); highest among the groups gnomAD compares: Non-Finnish European, 0.00017%; no homozygotes.

Submissions (2):

Labcorp Genetics (formerly Invitae), Labcorp
Classification: Pathogenic for Epidermodysplasia verruciformis. Last evaluated: 2025-03-03. Review status: criteria provided, single submitter. Criteria: Invitae Variant Classification Sherloc (09022015). Collection method: clinical testing. Allele origin: germline.
Comment: This sequence change creates a premature translational stop signal (p.Glu362*) in the TMC8 gene. It is expected to result in an absent or disrupted protein product. Loss-of-function variants in TMC8 are known to be pathogenic (PMID: 12426567, 22158547). This variant is present in population databases (rs121908330, gnomAD 0.0009%). This premature translational stop signal has been observed in individual(s) with epidermodysplasia verruciformis (PMID: 12426567). ClinVar contains an entry for this variant (Variation ID: 4747). For these reasons, this variant has been classified as Pathogenic.

OMIM
Classification: risk factor for EPIDERMODYSPLASIA VERRUCIFORMIS, SUSCEPTIBILITY TO, 2. Last evaluated: 2002-12-01. Review status: no assertion criteria provided. Collection method: literature only. Allele origin: germline. Not counted in ClinVar's aggregate classification.

Literature cited by the submitters: PubMed 12426567 (cited by Labcorp Genetics (formerly Invitae), Labcorp and OMIM); PubMed 22158547 (cited by Labcorp Genetics (formerly Invitae), Labcorp); PubMed 10084299 (cited by OMIM).

NM_152468.5(TMC8):c.1084G>T (p.Glu362Ter)

Gene: TMC8 (transmembrane channel like 8; plus strand). Cytogenetic location: 17q25.3.
Variant type: single nucleotide variant.
Coding change: c.1084G>T on transcript NM_152468.5 (MANE Select); coding-DNA position 1084, G replaced by T.
Protein change: p.Glu362Ter; replaces glutamic acid 362 with a stop codon.
Molecular consequence: nonsense.
Genome position (GRCh38, 1-based): chr17:78,134,966, G>T. VCF-style: chr17-78134966-G-T. GRCh37 (hg19) VCF-style: chr17-76131047-G-T.
Other names: short protein forms E362*.
Identifiers: ClinVar variation 4747 (VCV000004747.10), dbSNP rs121908330, ClinGen allele CA117047.
Genomic context (GRCh38, chr17:78,134,966, plus strand): 5'-GGGGTCATCGCCCTGGTCAACTTCCTGGGTCCCCTGCTGTTCACATTTCTGGTCCAGCTG[G>T]AGAACTACCCTCCCAACACGGAGGTCAACCTCACTCTGATCTGGTGAGTGCCACCCTTGG-3'